The following is an entry in ClinVar:

NM_006947.4(SRP72):c.1030C>A (p.Gln344Lys)

Gene: SRP72 (signal recognition particle 72; plus strand). Cytogenetic location: 4q12.
Variant type: single nucleotide variant.
Coding change: c.1030C>A on transcript NM_006947.4 (MANE Select); coding-DNA position 1030, C replaced by A.
Protein change: p.Gln344Lys; replaces glutamine 344 with lysine.
Molecular consequence: missense variant. On other transcripts: non-coding transcript variant (1).
Genome position (GRCh38, 1-based): chr4:56,484,808, C>A. VCF-style: chr4-56484808-C-A. GRCh37 (hg19) VCF-style: chr4-57350974-C-A.
Other names: c.847C>A, p.Gln283Lys (NM_001267722.2); short protein forms Q344K, Q283K.
Identifiers: ClinVar variation 3962044 (VCV003962044.1).

ClinVar aggregate classification (germline): Uncertain significance (1 of 4 stars; one submission).

gnomAD v4.1: 1 of 1,614,118 alleles (0.000062%); highest among the groups gnomAD compares: Non-Finnish European, 0.000085%; no homozygotes.

Submission:

Ambry Genetics
Classification: Uncertain significance. Last evaluated: 2025-03-30. Review status: criteria provided, single submitter. Criteria: Ambry Variant Classification Scheme 2023. Collection method: clinical testing. Allele origin: germline.
Comment: The p.Q344K variant (also known as c.1030C>A), located in coding exon 10 of the SRP72 gene, results from a C to A substitution at nucleotide position 1030. The glutamine at codon 344 is replaced by lysine, an amino acid with similar properties. This amino acid position is conserved. In addition, the in silico prediction for this alteration is inconclusive. Based on the available evidence, the clinical significance of this variant remains unclear.